The following is an entry in ClinVar:

NM_152384.3(BBS5):c.185T>C (p.Leu62Ser)

Gene: BBS5 (Bardet-Biedl syndrome 5; plus strand). Cytogenetic location: 2q31.1.
Variant type: single nucleotide variant.
Coding change: c.185T>C on transcript NM_152384.3 (MANE Select); coding-DNA position 185, T replaced by C.
Protein change: p.Leu62Ser; replaces leucine 62 with serine.
Molecular consequence: missense variant.
Genome position (GRCh38, 1-based): chr2:169,487,111, T>C. VCF-style: chr2-169487111-T-C. GRCh37 (hg19) VCF-style: chr2-170343621-T-C.
Other names: c.185T>C (NM_152384.2); short protein forms L62S.
Identifiers: ClinVar variation 1394006 (VCV001394006.9), dbSNP rs370501865, ClinGen allele CA1956138.

ClinVar aggregate classification (germline): Uncertain significance. Review status: criteria provided, multiple submitters, no conflicts (2 of 4 stars). 3 submissions from 3 submitters: Uncertain significance (3). Last evaluated 2026-03-30.

Conditions:
Bardet-Biedl syndrome (BBS). Identifiers: Orphanet 110, MedGen C0752166, MONDO:0015229.
Bardet-Biedl syndrome 5 (BBS5). Identifiers: Orphanet 110, MedGen C3892039, MONDO:0014434, OMIM 615983.
BBS5-related disorder. Also called: BBS5-related condition.

Allele frequency attached by ClinVar (database versions not stated): gnomAD exomes 0.00002 and 0.00005; ExAC 0.00004; gnomAD 0.00004; ESP Exome Variant Server 0.00008; TOPMed 0.00008.
gnomAD v4.1: 20 of 1,611,492 alleles (0.0012%); highest among the groups gnomAD compares: Admixed American, 0.018%; no homozygotes.

Submissions (3):

PreventionGenetics, part of Exact Sciences
Classification: Uncertain significance for BBS5-related condition. Last evaluated: 2026-03-30. Review status: criteria provided, single submitter. Criteria: ACMG Guidelines, 2015. Collection method: clinical testing. Allele origin: germline.
Comment: The BBS5 c.185T>C variant is predicted to result in the amino acid substitution p.Leu62Ser. To our knowledge, this variant has not been reported in the literature. This variant is reported in 0.028% of alleles in individuals of Latino descent in gnomAD. At this time, the clinical significance of this variant is uncertain due to the absence of conclusive functional and genetic evidence.

Labcorp Genetics (formerly Invitae), Labcorp
Classification: Uncertain significance for Bardet-Biedl syndrome. Last evaluated: 2026-02-01. Review status: criteria provided, single submitter. Criteria: Invitae Variant Classification Sherloc (09022015). Collection method: clinical testing. Allele origin: germline.
Comment: This sequence change replaces leucine, which is neutral and non-polar, with serine, which is neutral and polar, at codon 62 of the BBS5 protein (p.Leu62Ser). This variant is present in population databases (rs370501865, gnomAD 0.03%). This variant has not been reported in the literature in individuals affected with BBS5-related conditions. ClinVar contains an entry for this variant (Variation ID: 1394006). Invitae Evidence Modeling of protein sequence and biophysical properties (such as structural, functional, and spatial information, amino acid conservation, physicochemical variation, residue mobility, and thermodynamic stability) indicates that this missense variant is not expected to disrupt BBS5 protein function with a negative predictive value of 80%. In summary, the available evidence is currently insufficient to determine the role of this variant in disease. Therefore, it has been classified as a Variant of Uncertain Significance.

Fulgent Genetics
Classification: Uncertain significance for Bardet-Biedl syndrome 5. Last evaluated: 2024-04-29. Review status: criteria provided, single submitter. Criteria: ACMG Guidelines, 2015. Collection method: clinical testing. Allele origin: germline.